The following is an entry in ClinVar:

NM_001372044.2(SHANK3):c.3187_3188insGCTCTCCCCGA (p.Thr1063fs)

Gene: SHANK3 (SH3 and multiple ankyrin repeat domains 3; plus strand). Cytogenetic location: 22q13.33.
Variant type: Insertion.
Coding change: c.3187_3188insGCTCTCCCCGA on transcript NM_001372044.2 (MANE Select); coding-DNA positions 3187 to 3188, GCTCTCCCCGA inserted.
Protein change: p.Thr1063fs; shifts the reading frame from threonine 1063.
Molecular consequence: frameshift variant.
Genome position: GRCh38 VCF-style: chr22-50720787-C-CCTCCCCGAGCT. GRCh37 (hg19) VCF-style: chr22-51159215-C-CCTCCCCGAGCT.
Other names: c.2962_2963insGCTCTCCCCGA, p.Thr988Serfs (NM_033517.1); short protein forms T1063fs.
Identifiers: ClinVar variation 1709031 (VCV001709031.2), dbSNP rs2518426434, ClinGen allele CA2580099961.

ClinVar aggregate classification (germline): Likely pathogenic (1 of 4 stars; one submission).

Conditions:
Phelan-McDermid syndrome. Also called: TELOMERIC 22q13 MONOSOMY SYNDROME; 22q13.3 deletion syndrome; Phelan-McDermid Syndrome-SHANK3 Related. Identifiers: Orphanet 48652, MedGen C1853490, MONDO:0011652, OMIM 606232.

Submission:

MGZ Medical Genetics Center
Classification: Likely pathogenic for Phelan-McDermid syndrome. Last evaluated: 2021-12-13. Review status: criteria provided, single submitter. Criteria: ACMG Guidelines, 2015. Collection method: clinical testing. Allele origin: germline. Affected: yes. Observed: 1 variant allele.
Comment: ACMG criteria applied: PVS1, PM2_SUP